The following is an entry in ClinVar:

ClinVar aggregate classification (germline): Pathogenic (1 of 4 stars; one submission).

Submission:

Labcorp Genetics (formerly Invitae), Labcorp
Classification: Pathogenic. Last evaluated: 2023-07-03. Review status: criteria provided, single submitter. Criteria: Invitae Variant Classification Sherloc (09022015). Collection method: clinical testing. Allele origin: germline.
Comment: This variant is not present in population databases (gnomAD no frequency). For these reasons, this variant has been classified as Pathogenic. This variant has not been reported in the literature in individuals affected with NEXMIF-related conditions. This sequence change creates a premature translational stop signal (p.Gly737Alafs*21) in the NEXMIF gene. It is expected to result in an absent or disrupted protein product. Loss-of-function variants in NEXMIF are known to be pathogenic (PMID: 23615299).

Literature cited by the submitters: PubMed 23615299.

NM_001008537.3(NEXMIF):c.2208_2209del (p.Gly737fs)

Gene: NEXMIF (neurite extension and migration factor; minus strand). Cytogenetic location: Xq13.3.
Variant type: Deletion.
Coding change: c.2208_2209del on transcript NM_001008537.3 (MANE Select); coding-DNA positions 2208 to 2209, 2 bases deleted (TG; older notation c.2208_2209delTG).
Protein change: p.Gly737fs; shifts the reading frame from glycine 737.
Molecular consequence: frameshift variant.
Genome position (GRCh38, 1-based): chrX:74,742,348-74,742,349, CA deleted on the plus strand (TG on the coding strand, the reverse complement: NEXMIF is on the minus strand). VCF-style (leftmost placement, unchanged base first): chrX-74742347-CCA-C. GRCh37 (hg19) VCF-style: chrX-73962182-CCA-C.
Other names: short protein forms G737fs.
Identifiers: ClinVar variation 2735394 (VCV002735394.3), dbSNP rs2519914336, ClinGen allele CA2697553158.